The following is an entry in ClinVar:

NM_001211.6(BUB1B):c.2588T>C (p.Ile863Thr)

Gene: BUB1B (BUB1 mitotic checkpoint serine/threonine kinase B; plus strand). Cytogenetic location: 15q15.1.
Variant type: single nucleotide variant.
Coding change: c.2588T>C on transcript NM_001211.6 (MANE Select); coding-DNA position 2588, T replaced by C.
Protein change: p.Ile863Thr; replaces isoleucine 863 with threonine.
Molecular consequence: missense variant.
Genome position (GRCh38, 1-based): chr15:40,213,384, T>C. VCF-style: chr15-40213384-T-C. GRCh37 (hg19) VCF-style: chr15-40505585-T-C.
Other names: short protein forms I863T.
Identifiers: ClinVar variation 1793453 (VCV001793453.3), dbSNP rs1412254854, ClinGen allele CA391686172.

ClinVar aggregate classification (germline): Uncertain significance (1 of 4 stars; one submission).

Conditions:
Inborn genetic diseases. Identifiers: MedGen C0950123, MeSH D030342.

Allele frequency attached by ClinVar (database versions not stated): gnomAD exomes below 0.00001.
gnomAD v4.1: 4 of 1,613,924 alleles (0.00025%); highest among the groups gnomAD compares: Non-Finnish European, 0.00034%; no homozygotes.

Submission:

Ambry Genetics
Classification: Uncertain significance for Inborn genetic diseases. Last evaluated: 2024-05-22. Review status: criteria provided, single submitter. Criteria: Ambry Variant Classification Scheme 2023. Collection method: clinical testing. Allele origin: germline.
Comment: The p.I863T variant (also known as c.2588T>C), located in coding exon 20 of the BUB1B gene, results from a T to C substitution at nucleotide position 2588. The isoleucine at codon 863 is replaced by threonine, an amino acid with similar properties. This amino acid position is conserved. In addition, this alteration is predicted to be tolerated by in silico analysis. Since supporting evidence is limited at this time, the clinical significance of this alteration remains unclear.